The following is an entry in ClinVar:

ClinVar aggregate classification (germline): Uncertain significance (1 of 4 stars; one submission).

Conditions:
Symmetrical dyschromatosis of extremities (DSH). Also called: RETICULATE ACROPIGMENTATION OF DOHI; SYMMETRIC DYSCHROMATOSIS OF THE EXTREMITIES; Dyschromatosis symmetrica hereditaria; DYSCHROMATOSIS SYMMETRICA HEREDITARIA 1. Identifiers: Orphanet 41, MedGen C0406775, MONDO:0007483, OMIM 127400.
Aicardi-Goutieres syndrome 6 (AGS6). Identifiers: Orphanet 51, MedGen C3539013, MONDO:0014007, OMIM 615010.

Submission:

Labcorp Genetics (formerly Invitae), Labcorp
Classification: Uncertain significance for Aicardi-Goutieres syndrome 6; Symmetrical dyschromatosis of extremities. Last evaluated: 2022-05-27. Review status: criteria provided, single submitter. Criteria: Invitae Variant Classification Sherloc (09022015). Collection method: clinical testing. Allele origin: germline.
Comment: This variant is not present in population databases (gnomAD no frequency). In summary, the available evidence is currently insufficient to determine the role of this variant in disease. Therefore, it has been classified as a Variant of Uncertain Significance. Algorithms developed to predict the effect of missense changes on protein structure and function (SIFT, PolyPhen-2, Align-GVGD) all suggest that this variant is likely to be tolerated. This variant has not been reported in the literature in individuals affected with ADAR-related conditions. This sequence change replaces lysine, which is basic and polar, with glutamic acid, which is acidic and polar, at codon 494 of the ADAR protein (p.Lys494Glu).

NM_001111.5(ADAR):c.1480A>G (p.Lys494Glu)

Gene: ADAR (adenosine deaminase RNA specific; minus strand). Cytogenetic location: 1q21.3.
Variant type: single nucleotide variant.
Coding change: c.1480A>G on transcript NM_001111.5 (MANE Select); coding-DNA position 1480, A replaced by G.
Protein change: p.Lys494Glu; replaces lysine 494 with glutamic acid.
Molecular consequence: missense variant.
Genome position (GRCh38, 1-based): chr1:154,601,162, T>C on the plus strand (A>G on the coding strand, the complement: ADAR is on the minus strand). VCF-style: chr1-154601162-T-C. GRCh37 (hg19) VCF-style: chr1-154573638-T-C.
Other names: c.595A>G, p.Lys199Glu (NM_001025107.3, NM_001193495.2, NM_001365046.1 and 3 more transcripts); c.1507A>G, p.Lys503Glu (NM_001365045.1); c.1480A>G, p.Lys494Glu (NM_015840.4, NM_015841.4); short protein forms K199E, K503E, K494E.
Identifiers: ClinVar variation 1450541 (VCV001450541.8), dbSNP rs2101638093, ClinGen allele CA342596187.